The following is an entry in ClinVar:

ClinVar aggregate classification (germline): Uncertain significance. Review status: criteria provided, multiple submitters, no conflicts (2 of 4 stars). 2 submissions from 2 submitters: Uncertain significance (2). Last evaluated 2026-03-13.

Conditions:
FAM131A-related disorder. Also called: FAM131A-related condition.

gnomAD v4.1: 29 of 1,612,290 alleles (0.0018%); highest among the groups gnomAD compares: South Asian, 0.0044%; no homozygotes.

Submissions (2):

PreventionGenetics, part of Exact Sciences
Classification: Uncertain significance for FAM131A-related condition. Last evaluated: 2026-03-13. Review status: criteria provided, single submitter. Criteria: ACMG Guidelines, 2015. Collection method: clinical testing. Allele origin: germline.
Comment: The FAM131A c.822G>C variant is predicted to result in the amino acid substitution p.Gln274His. To our knowledge, this variant has not been reported in the literature. This variant is reported in 0.0018% of alleles in individuals of European (Non-Finnish) descent in gnomAD. At this time, the clinical significance of this variant is uncertain due to the absence of conclusive functional and genetic evidence.

Ambry Genetics
Classification: Uncertain significance. Last evaluated: 2025-09-11. Review status: criteria provided, single submitter. Criteria: Ambry Variant Classification Scheme 2023. Collection method: clinical testing. Allele origin: germline.

NM_144635.5(FAM131A):c.822G>C (p.Gln274His)

Gene: FAM131A (family with sequence similarity 131 member A; plus strand). Cytogenetic location: 3q27.1.
Variant type: single nucleotide variant.
Coding change: c.822G>C on transcript NM_144635.5 (MANE Select); coding-DNA position 822, G replaced by C.
Protein change: p.Gln274His; replaces glutamine 274 with histidine.
Molecular consequence: missense variant.
Genome position (GRCh38, 1-based): chr3:184,344,691, G>C. VCF-style: chr3-184344691-G-C. GRCh37 (hg19) VCF-style: chr3-184062479-G-C.
Other names: c.567G>C, p.Gln189His (NM_001171093.2, NM_001366133.1, NM_001366134.1); short protein forms Q189H, Q274H.
Identifiers: ClinVar variation 4252797 (VCV004252797.2).